The following is an entry in ClinVar:

NM_001005498.4(RHBDF2):c.967C>T (p.Arg323Cys)

Gene: RHBDF2 (rhomboid 5 homolog 2; minus strand). Cytogenetic location: 17q25.1.
Variant type: single nucleotide variant.
Coding change: c.967C>T on transcript NM_001005498.4 (MANE Select); coding-DNA position 967, C replaced by T.
Protein change: p.Arg323Cys; replaces arginine 323 with cysteine.
Molecular consequence: missense variant. On other transcripts: non-coding transcript variant (3).
Genome position (GRCh38, 1-based): chr17:76,476,978, G>A on the plus strand (C>T on the coding strand, the complement: RHBDF2 is on the minus strand). VCF-style: chr17-76476978-G-A. GRCh37 (hg19) VCF-style: chr17-74473060-G-A.
Other names: c.967C>T, p.Arg323Cys (NM_001376228.1, NM_001376229.1, NM_001376230.1); c.1054C>T, p.Arg352Cys (NM_024599.5); short protein forms R323C, R352C.
Identifiers: ClinVar variation 3013969 (VCV003013969.4), dbSNP rs369155813, ClinGen allele CA294183645.
Genomic context (GRCh38, chr17:76,476,978, plus strand): 5'-CGAGGCCGTAGTGCCGCTTCTTCCGATCAAAGGCAAAGTGCTTCACCTTGGAGGCGATGC[G>A]CTTGCCGCGCCGGGGCCCGGGGACTGGGGCTCGGCCATACTCCTTCCTGGTGGGGATGGT-3'
Protein context (NP_001005498.2, residues 313-333): APVPGPRRGK[Arg323Cys]IASKVKHFAF

ClinVar aggregate classification (germline): Uncertain significance. Review status: criteria provided, multiple submitters, no conflicts (2 of 4 stars). 2 submissions from 2 submitters: Uncertain significance (2). Last evaluated 2023-12-15.

Conditions:
Palmoplantar keratoderma-esophageal carcinoma syndrome (TOC). Also called: KERATOSIS PALMARIS ET PLANTARIS WITH ESOPHAGEAL CANCER; PALMOPLANTAR KERATODERMA WITH ESOPHAGEAL CANCER; Tylosis with Esophageal Cancer. Identifiers: Orphanet 2198, MedGen C1835664, MONDO:0007856, OMIM 148500.

Allele frequency attached by ClinVar (database versions not stated): gnomAD exomes 0.00001; gnomAD 0.00002; TOPMed 0.00002; ESP Exome Variant Server 0.00008.
gnomAD v4.1: 10 of 1,613,780 alleles (0.00062%); highest among the groups gnomAD compares: Non-Finnish European, 0.00076%; no homozygotes.

Submissions (2):

Baylor Genetics
Classification: Uncertain significance for Palmoplantar keratoderma-esophageal carcinoma syndrome. Last evaluated: 2023-12-15. Review status: criteria provided, single submitter. Criteria: ACMG Guidelines, 2015. Collection method: clinical testing. Allele origin: unknown.

Labcorp Genetics (formerly Invitae), Labcorp
Classification: Uncertain significance. Last evaluated: 2023-10-27. Review status: criteria provided, single submitter. Criteria: Invitae Variant Classification Sherloc (09022015). Collection method: clinical testing. Allele origin: germline.
Comment: This sequence change replaces arginine, which is basic and polar, with cysteine, which is neutral and slightly polar, at codon 352 of the RHBDF2 protein (p.Arg352Cys). This variant is not present in population databases (gnomAD no frequency). This variant has not been reported in the literature in individuals affected with RHBDF2-related conditions. An algorithm developed to predict the effect of missense changes on protein structure and function (PolyPhen-2) suggests that this variant is likely to be tolerated. In summary, the available evidence is currently insufficient to determine the role of this variant in disease. Therefore, it has been classified as a Variant of Uncertain Significance.